The following is an entry in ClinVar:

NM_002693.3(POLG):c.1897A>G (p.Lys633Glu)

Gene: POLG (DNA polymerase gamma, catalytic subunit; minus strand). Cytogenetic location: 15q26.1.
Variant type: single nucleotide variant.
Coding change: c.1897A>G on transcript NM_002693.3 (MANE Select); coding-DNA position 1897, A replaced by G.
Protein change: p.Lys633Glu; replaces lysine 633 with glutamic acid.
Molecular consequence: missense variant.
Genome position (GRCh38, 1-based): chr15:89,325,502, T>C on the plus strand (A>G on the coding strand, the complement: POLG is on the minus strand). VCF-style: chr15-89325502-T-C. GRCh37 (hg19) VCF-style: chr15-89868733-T-C.
Other names: c.1897A>G, p.Lys633Glu (NM_001126131.2); short protein forms K633E.
Identifiers: ClinVar variation 3607949 (VCV003607949.2).
Genomic context (GRCh38, chr15:89,325,502, plus strand): 5'-AGCCTTACCTGTAGGGGCAGACCACCCCAGCTGACTCCAGGGTGGTACCTGTCGGCAGCT[T>C]GGCCAGGTTGTCCCGCCGCCCAGGCACCAAGTAGCCCCAGCCATGACGCTCTGAGTAGTG-3'
Protein context (NP_002684.1, residues 623-643): LVPGRRDNLA[Lys633Glu]LPTGTTLESA

ClinVar aggregate classification (germline): Uncertain significance (1 of 4 stars; one submission).

Conditions:
Progressive sclerosing poliodystrophy (MTDPS4A). Also called: ALPERS PROGRESSIVE INFANTILE POLIODYSTROPHY; NEURONAL DEGENERATION OF CHILDHOOD WITH LIVER DISEASE, PROGRESSIVE; Alpers Syndrome; ALPERS DIFFUSE DEGENERATION OF CEREBRAL GRAY MATTER WITH HEPATIC CIRRHOSIS; Alpers-Huttenlocher Syndrome; Mitochondrial DNA depletion syndrome 4A (Alpers type). Identifiers: Orphanet 726, MedGen C0205710, MONDO:0008758, OMIM 203700.

Submission:

Labcorp Genetics (formerly Invitae), Labcorp
Classification: Uncertain significance for Progressive sclerosing poliodystrophy. Last evaluated: 2024-08-19. Review status: criteria provided, single submitter. Criteria: Invitae Variant Classification Sherloc (09022015). Collection method: clinical testing. Allele origin: germline.
Comment: This sequence change replaces lysine, which is basic and polar, with glutamic acid, which is acidic and polar, at codon 633 of the POLG protein (p.Lys633Glu). This variant is not present in population databases (gnomAD no frequency). This variant has not been reported in the literature in individuals affected with POLG-related conditions. Invitae Evidence Modeling of protein sequence and biophysical properties (such as structural, functional, and spatial information, amino acid conservation, physicochemical variation, residue mobility, and thermodynamic stability) indicates that this missense variant is not expected to disrupt POLG protein function with a negative predictive value of 95%. In summary, the available evidence is currently insufficient to determine the role of this variant in disease. Therefore, it has been classified as a Variant of Uncertain Significance.